The following is an entry in ClinVar:

NM_000059.4(BRCA2):c.9098C>T (p.Thr3033Ile)

Gene: BRCA2 (BRCA2 DNA repair associated; plus strand). Cytogenetic location: 13q13.1.
Variant type: single nucleotide variant.
Coding change: c.9098C>T on transcript NM_000059.4 (MANE Select); coding-DNA position 9098, C replaced by T.
Protein change: p.Thr3033Ile; replaces threonine 3033 with isoleucine.
Molecular consequence: missense variant.
Genome position (GRCh38, 1-based): chr13:32,379,894, C>T. VCF-style: chr13-32379894-C-T. GRCh37 (hg19) VCF-style: chr13-32954031-C-T.
Other names: 9326C>T; short protein forms T3033I.
Identifiers: ClinVar variation 96879 (VCV000096879.29), dbSNP rs431825374, ClinGen allele CA025974.

ClinVar aggregate classification (germline): Conflicting classifications of pathogenicity. Review status: criteria provided, conflicting classifications (1 of 4 stars). 9 submissions from 9 submitters: Uncertain significance (7); Likely benign (1). 1 of the submissions does not count toward it. Last evaluated 2025-08-06.

Conditions:
Hereditary cancer-predisposing syndrome. Also called: Hereditary Cancer Syndrome; Neoplastic Syndromes, Hereditary; Hereditary neoplastic syndrome; Tumor predisposition. Identifiers: Orphanet 140162, MedGen C0027672, MeSH D009386, MONDO:0015356.
Hereditary breast ovarian cancer syndrome. Also called: Breast and ovarian cancer; Hereditary breast and/or ovarian cancer syndrome; Hereditary breast and ovarian cancer; Hereditary breast and ovarian cancer syndrome; Hereditary breast and ovarian cancer syndrome (HBOC); BRCA1- and BRCA2-Associated Hereditary Breast and Ovarian Cancer. Identifiers: Orphanet 145, MedGen C0677776, MeSH D061325, MONDO:0003582. Disease mechanism: loss of function.
Breast-ovarian cancer, familial, susceptibility to, 2 (BROVCA2). Also called: BRCA2 Hereditary Breast and Ovarian Cancer. Identifiers: Orphanet 145, MedGen C2675520, MONDO:0012933, OMIM 612555. Disease mechanism: loss of function.

Allele frequency attached by ClinVar (database versions not stated): gnomAD exomes below 0.00001 and 0.00001; TOPMed 0.00001; gnomAD 0.00002.
gnomAD v4.1: 10 of 1,613,492 alleles (0.00062%); highest among the groups gnomAD compares: Non-Finnish European, 0.00076%; no homozygotes.

Submissions (9):

Labcorp Genetics (formerly Invitae), Labcorp
Classification: Uncertain significance for Hereditary breast ovarian cancer syndrome. Last evaluated: 2025-08-06. Review status: criteria provided, single submitter. Criteria: Invitae Variant Classification Sherloc (09022015). Collection method: clinical testing. Allele origin: germline.
Comment: This sequence change replaces threonine, which is neutral and polar, with isoleucine, which is neutral and non-polar, at codon 3033 of the BRCA2 protein (p.Thr3033Ile). The frequency data for this variant in the population databases is considered unreliable, as metrics indicate poor data quality at this position in the gnomAD database. This missense change has been observed in individual(s) with breast cancer and ovarian cancer (PMID: 25452441, 26153499). ClinVar contains an entry for this variant (Variation ID: 96879). Invitae Evidence Modeling of protein sequence and biophysical properties (such as structural, functional, and spatial information, amino acid conservation, physicochemical variation, residue mobility, and thermodynamic stability) indicates that this missense variant is not expected to disrupt BRCA2 protein function with a negative predictive value of 95%. Experimental studies have shown that this missense change does not substantially affect BRCA2 function (PMID: 23108138, 24323938, 29394989). In summary, the available evidence is currently insufficient to determine the role of this variant in disease. Therefore, it has been classified as a Variant of Uncertain Significance.

Quest Diagnostics Nichols Institute San Juan Capistrano
Classification: Uncertain significance. Last evaluated: 2025-02-07. Review status: criteria provided, single submitter. Criteria: Quest Diagnostics criteria. Collection method: clinical testing. Allele origin: unknown.
Comment: The BRCA2 c.9098C>T (p.Thr3033Ile) variant has been reported in the published literature in individuals with breast and/or ovarian cancer (PMIDs: 26153499 (2015), 25452441 (2015), 33471991 (2021), see LOVD). Functional studies indicate this variant has likely neutral to intermediate effect on homology-directed DNA repair activity (PMIDs: 29394989 (2018), 24323938 (2014), 23108138 (2013)). Additionally, this variant showed benign/likely benign effects in saturation genome editing assays measuring DNA repair-dependent cell survival (PMIDs: 39779848 (2025), 39779857 (2025)). The frequency of this variant in the general population (Genome Aggregation Database) is uninformative in the assessment of its pathogenicity. Analysis of this variant using bioinformatics tools for the prediction of the effect of amino acid changes on protein structure and function yielded predictions that this variant is damaging. Based on the available information, we are unable to determine the clinical significance of this variant.

All of Us Research Program, National Institutes of Health
Classification: Uncertain significance for Breast-ovarian cancer, familial, susceptibility to, 2. Last evaluated: 2024-01-11. Review status: criteria provided, single submitter. Criteria: ACMG Guidelines, 2015. Collection method: clinical testing. Allele origin: germline. Inheritance: Autosomal dominant inheritance. Observed: 2 variant alleles, 2 heterozygotes.
Comment: This missense variant replaces threonine with isoleucine at codon 3033 of the BRCA2 protein. Computational prediction is inconclusive regarding the impact of this variant on protein structure and function (internally defined REVEL score threshold 0.5 < inconclusive < 0.7, PMID: 27666373). A functional study has reported that this variant does not impact BRCA2 function in a homology-directed repair assay (PMID: 29394989). This variant has been reported in at least three individuals affected with breast and/or ovarian cancer (PMID: 25452441, 26153499, 33471991; Leiden Open Variation Database DB-ID BRCA2_007511). This variant has been identified in 1/249408 chromosomes in the general population by the Genome Aggregation Database (gnomAD). The available evidence is insufficient to determine the role of this variant in disease conclusively. Therefore, this variant is classified as a Variant of Uncertain Significance.

This study involves interpretation of variants in research participants for the purpose of population health screening. Participant phenotype was not available at the time of variant classification. Additional details can be found in publication PMID: 35346344, PMCID: PMC8962531

Color Diagnostics, LLC DBA Color Health
Classification: Uncertain significance for Hereditary cancer-predisposing syndrome. Last evaluated: 2023-10-25. Review status: criteria provided, single submitter. Criteria: ACMG Guidelines, 2015. Collection method: clinical testing. Allele origin: germline.
Comment: This missense variant replaces threonine with isoleucine at codon 3033 of the BRCA2 protein. Computational prediction is inconclusive regarding the impact of this variant on protein structure and function (internally defined REVEL score threshold 0.5 < inconclusive < 0.7, PMID: 27666373). A functional study has reported that this variant does not impact BRCA2 function in a homology-directed repair assay (PMID: 29394989). This variant has been reported in at least three individuals affected with breast and/or ovarian cancer (PMID: 25452441, 26153499, 33471991; Leiden Open Variation Database DB-ID BRCA2_007511). This variant has been identified in 1/249408 chromosomes in the general population by the Genome Aggregation Database (gnomAD). The available evidence is insufficient to determine the role of this variant in disease conclusively. Therefore, this variant is classified as a Variant of Uncertain Significance.

Sema4
Classification: Uncertain significance for Hereditary cancer-predisposing syndrome. Last evaluated: 2022-02-18. Review status: criteria provided, single submitter. Criteria: Sema4 Curation Guidelines. Collection method: curation. Allele origin: germline.
Comment: The BRCA2 c.9098C>T (p.T3033I) variant has been reported in heterozygosity in at least four individuals with hereditary breast and/or ovarian cancer (PMID: 33471991, 25452441, 26153499). Functional studies indicate that this variant does not significantly alter homology directed repair activity (PMID: 23108138, 24323938, 29394989). In silico predictions of the variant's effect on protein function are inconclusive. This variant was observed in 1/249408 chromosomes across the different populations included in the Genome Aggregation Database (PMID: 32461654). The variant has been reported in ClinVar (Variation ID: 96879). The evidence is insufficient to meet ACMG/AMP criteria for classifying the variant as benign or pathogenic. Thus, the clinical significance of this variant is currently uncertain.

Women's Health and Genetics/Laboratory Corporation of America, LabCorp
Classification: Uncertain significance. Last evaluated: 2022-01-20. Review status: criteria provided, single submitter. Criteria: LabCorp Variant Classification Summary - May 2015. Collection method: clinical testing. Allele origin: germline.
Comment: Variant summary: BRCA2 c.9098C>T (p.Thr3033Ile) results in a non-conservative amino acid change in the encoded protein sequence. Five of five in-silico tools predict a damaging effect of the variant on protein function. The variant allele was found at a frequency of 4e-06 in 249408 control chromosomes (gnomAD). The available data on variant occurrences in the general population are insufficient to allow any conclusion about variant significance. c.9098C>T has been reported in the literature in individuals affected with Hereditary Breast and/or Ovarian Cancer (examples: Couch_2015 and Eccles_2015). These reports do not provide unequivocal conclusions about association of the variant with Hereditary Breast And Ovarian Cancer Syndrome. At least one publication reports experimental evidence evaluating an impact on protein function. This variant was described as likely neutral using HDR assay (Guidugli_2018). Five clinical diagnostic laboratories have submitted clinical-significance assessments for this variant to ClinVar after 2014 and described the variant as likely benign (n=1) and as a variant of uncertain significance (n=4). Based on the evidence outlined above, the variant was classified as uncertain significance.

Ambry Genetics
Classification: Likely benign for Hereditary cancer-predisposing syndrome. Last evaluated: 2020-03-04. Review status: criteria provided, single submitter. Criteria: Ambry Variant Classification Scheme 2023. Collection method: clinical testing. Allele origin: germline.

GeneDx
Classification: Uncertain significance. Last evaluated: 2018-06-01. Review status: criteria provided, single submitter. Criteria: GeneDx Variant Classification (06012015). Collection method: clinical testing. Allele origin: germline. Affected: yes.
Comment: This variant is denoted BRCA2 c.9098C>T at the cDNA level, p.Thr3033Ile (T3033I) at the protein level, and results in the change of a Threonine to an Isoleucine (ACT>ATT). Using alternate nomenclature, this variant would be defined as BRCA2 9326C>T. This variant has been reported in individuals with personal and/or family history of breast cancer and ovarian cancer, and exhibited an intermediate level of homology-directed repair (HDR) activity in a cell-based functional assay (Guidugli 2013, Eccles 2015, Couch 2015, Guidugli 2018). BRCA2 Thr3033Ile was not observed in large population cohorts (Lek 2016). BRCA2 Thr3033Ile is located in the DNA binding domain (Yang 2002). In silico analysis, which includes protein predictors and evolutionary conservation, supports that this variant does not alter protein structure/function. Based on currently available information, it is unclear whether BRCA2 Thr3033Ile is pathogenic or benign. We consider it to be a variant of uncertain significance.

Sharing Clinical Reports Project (SCRP)
Classification: Uncertain significance for Breast-ovarian cancer, familial 2. Last evaluated: 2009-04-08. Review status: no assertion criteria provided. Collection method: clinical testing. Allele origin: germline. Not counted in ClinVar's aggregate classification.

Literature cited by the submitters: PubMed 25452441 (cited by 7 submitters); PubMed 26153499 (cited by 6 submitters); PubMed 23108138 (cited by 4 submitters); PubMed 24323938 (cited by 3 submitters); PubMed 29394989 (cited by 6 submitters); PubMed 31853058 (cited by Quest Diagnostics Nichols Institute San Juan Capistrano); PubMed 39779848 (cited by Quest Diagnostics Nichols Institute San Juan Capistrano); PubMed 39779857 (cited by Quest Diagnostics Nichols Institute San Juan Capistrano); PubMed 33471991 (cited by 4 submitters).